The following is an entry in ClinVar:

NM_014871.6(PAN2):c.41C>T (p.Ala14Val)

Gene: PAN2 (poly(A) specific ribonuclease subunit PAN2; minus strand). Cytogenetic location: 12q13.3.
Variant type: single nucleotide variant.
Coding change: c.41C>T on transcript NM_014871.6 (MANE Select); coding-DNA position 41, C replaced by T.
Protein change: p.Ala14Val; replaces alanine 14 with valine.
Molecular consequence: missense variant. On other transcripts: intron variant (1).
Genome position (GRCh38, 1-based): chr12:56,333,054, G>A on the plus strand (C>T on the coding strand, the complement: PAN2 is on the minus strand). VCF-style: chr12-56333054-G-A. GRCh37 (hg19) VCF-style: chr12-56726838-G-A.
Other names: c.41C>T, p.Ala14Val (NM_001127460.4, NM_001166279.3, NM_001394699.1 and 8 more transcripts); c.-136+808C>T (NM_001394708.1); short protein forms A14V.
Identifiers: ClinVar variation 3774002 (VCV003774002.1).

ClinVar aggregate classification (germline): Uncertain significance (1 of 4 stars; one submission).

Submission:

GeneDx
Classification: Uncertain significance. Last evaluated: 2024-09-20. Review status: criteria provided, single submitter. Criteria: GeneDx Variant Classification Process June 2021. Collection method: clinical testing. Allele origin: germline. Affected: yes.
Comment: Not observed at significant frequency in large population cohorts (gnomAD); In silico analysis indicates that this missense variant does not alter protein structure/function; Has not been previously published as pathogenic or benign to our knowledge